The following is an entry in ClinVar:

ClinVar aggregate classification (germline): Uncertain significance. Review status: criteria provided, multiple submitters, no conflicts (2 of 4 stars). 2 submissions from 2 submitters: Uncertain significance (2). Last evaluated 2025-03-01.

Conditions:
Inborn genetic diseases. Identifiers: MedGen C0950123, MeSH D030342.
Muscular dystrophy-dystroglycanopathy (congenital with brain and eye anomalies), type a, 11 (MDDGA11). Also called: Congenital muscular dystrophy-dystroglycanopathy with brain and eye anomalies, type A11; Muscular dystrophy-dystroglycanopathy (congenital with brain and eye anomalies, type A, 11; WALKER-WARBURG SYNDROME OR MUSCLE-EYE-BRAIN DISEASE, B3GALNT2-RELATED. Identifiers: Orphanet 588, Orphanet 899, MedGen C3554638, MONDO:0014071, OMIM 615181.

Allele frequency attached by ClinVar (database versions not stated): gnomAD exomes 0.00002; ESP Exome Variant Server 0.00008; ExAC 0.00002; gnomAD 0.00004; TOPMed 0.00006.
gnomAD v4.1: 29 of 1,605,492 alleles (0.0018%); highest among the groups gnomAD compares: African/African-American, 0.016%; no homozygotes.

Submissions (2):

Ambry Genetics
Classification: Uncertain significance for Inborn genetic diseases. Last evaluated: 2025-03-01. Review status: criteria provided, single submitter. Criteria: Ambry Variant Classification Scheme 2023. Collection method: clinical testing. Allele origin: germline.

Labcorp Genetics (formerly Invitae), Labcorp
Classification: Uncertain significance for Muscular dystrophy-dystroglycanopathy (congenital with brain and eye anomalies), type a, 11. Last evaluated: 2022-11-01. Review status: criteria provided, single submitter. Criteria: Invitae Variant Classification Sherloc (09022015). Collection method: clinical testing. Allele origin: germline.
Comment: This sequence change replaces glutamic acid, which is acidic and polar, with lysine, which is basic and polar, at codon 364 of the B3GALNT2 protein (p.Glu364Lys). This variant is present in population databases (rs138436770, gnomAD 0.008%). This variant has not been reported in the literature in individuals affected with B3GALNT2-related conditions. ClinVar contains an entry for this variant (Variation ID: 1007778). Advanced modeling of protein sequence and biophysical properties (such as structural, functional, and spatial information, amino acid conservation, physicochemical variation, residue mobility, and thermodynamic stability) performed at Invitae indicates that this missense variant is not expected to disrupt B3GALNT2 protein function. In summary, the available evidence is currently insufficient to determine the role of this variant in disease. Therefore, it has been classified as a Variant of Uncertain Significance.

NM_152490.5(B3GALNT2):c.1090G>A (p.Glu364Lys)

Gene: B3GALNT2 (beta-1,3-N-acetylgalactosaminyltransferase 2; minus strand). Cytogenetic location: 1q42.3.
Variant type: single nucleotide variant.
Coding change: c.1090G>A on transcript NM_152490.5 (MANE Select); coding-DNA position 1090, G replaced by A.
Protein change: p.Glu364Lys; replaces glutamic acid 364 with lysine.
Molecular consequence: missense variant.
Genome position (GRCh38, 1-based): chr1:235,455,620, C>T on the plus strand (G>A on the coding strand, the complement: B3GALNT2 is on the minus strand). VCF-style: chr1-235455620-C-T. GRCh37 (hg19) VCF-style: chr1-235618932-C-T.
Other names: c.1090G>A (NM_152490.2); short protein forms E364K.
Identifiers: ClinVar variation 1007778 (VCV001007778.3), dbSNP rs138436770, ClinGen allele CA1464694.
Genomic context (GRCh38, chr1:235,455,620, plus strand): 5'-TTCCCCACCAAAAATTAGGCCCATCCAGATTCTTTTGGACAATCCTATTAAATACAGCTT[C>T]GAGGTCTATGTAACAGTCATCATCTGTCTTCAGCAACAAATTGAAGCTCGTTGTTTCCAC-3'
Protein context (NP_689703.1, residues 354-374): KTDDDCYIDL[Glu364Lys]AVFNRIVQKN